The following is an entry in ClinVar:

NM_007294.4(BRCA1):c.5332+501C>T

Gene: BRCA1 (BRCA1 DNA repair associated; minus strand). Cytogenetic location: 17q21.31.
Variant type: single nucleotide variant.
Coding change: c.5332+501C>T on transcript NM_007294.4 (MANE Select); 501 bases into the intron after coding-DNA position 5332, C replaced by T.
Molecular consequence: intron variant.
Genome position (GRCh38, 1-based): chr17:43,050,562, G>A on the plus strand (C>T on the coding strand, the complement: BRCA1 is on the minus strand). VCF-style: chr17-43050562-G-A. GRCh37 (hg19) VCF-style: chr17-41202579-G-A.
Other names: IVS 21+501C>T; c.1900+501C>T (NM_001408431.1, NM_001408425.1, NM_001408428.1 and 4 more transcripts); c.1903+501C>T (NM_001408424.1, NM_001408422.1, NM_001408423.1 and 1 more transcripts); c.2014+501C>T (NM_001408407.1, NM_001408406.1, NM_001408408.1); c.2017+501C>T (NM_001408402.1, NM_001408473.1, NM_001408399.1 and 8 more transcripts); c.2020+501C>T (NM_001407984.1, NM_001407983.1, NM_001407992.1 and 12 more transcripts); c.5323+501C>T (NM_001407645.1, NM_001407644.1); c.5326+501C>T (NM_001407628.1, NM_001407637.1, NM_001407641.1 and 14 more transcripts); and 75 more.
Identifiers: ClinVar variation 209253 (VCV000209253.2), dbSNP rs12949768, ClinGen allele CA276225.

ClinVar aggregate classification (germline): Benign (3 of 4 stars; one submission).

Conditions:
Breast-ovarian cancer, familial, susceptibility to, 1 (BROVCA1). Also called: BRCA1 Hereditary Breast and Ovarian Cancer; OVARIAN CANCER, SUSCEPTIBILITY TO. Identifiers: Orphanet 145, MedGen C2676676, MONDO:0011450, OMIM 604370. Disease mechanism: loss of function.

Allele frequency attached by ClinVar (database versions not stated): TOPMed 0.05996; 1000 Genomes Project 30x 0.06152; 1000 Genomes Project 0.06410; gnomAD 0.06682 and 0.06905.
gnomAD v4.1: 10,378 of 150,592 alleles (6.9%); highest among the groups gnomAD compares: South Asian, 11%; 428 homozygotes.

Submission:

Evidence-based Network for the Interpretation of Germline Mutant Alleles (ENIGMA)
Classification: Benign for Breast-ovarian cancer, familial 1. Last evaluated: 2015-01-12. Review status: reviewed by expert panel. Criteria: ENIGMA BRCA1/2 Classification Criteria (2015). Collection method: curation. Allele origin: germline.
Comment: Class 1 not pathogenic based on frequency >1% in an outbred sampleset. Frequency 0.08217 (Asian), 0.03862 (African), 0.07388 (European), derived from 1000 genomes (2012-04-30).